The following is an entry in ClinVar:

NM_003901.4(SGPL1):c.1061A>G (p.Tyr354Cys)

Gene: SGPL1 (sphingosine-1-phosphate lyase 1; plus strand). Cytogenetic location: 10q22.1.
Variant type: single nucleotide variant.
Coding change: c.1061A>G on transcript NM_003901.4 (MANE Select); coding-DNA position 1061, A replaced by G.
Protein change: p.Tyr354Cys; replaces tyrosine 354 with cysteine.
Molecular consequence: missense variant.
Genome position (GRCh38, 1-based): chr10:70,873,352, A>G. VCF-style: chr10-70873352-A-G. GRCh37 (hg19) VCF-style: chr10-72633109-A-G.
Other names: short protein forms Y354C.
Identifiers: ClinVar variation 3066335 (VCV003066335.1), dbSNP rs775911785, ClinGen allele CA209395839.

ClinVar aggregate classification (germline): Uncertain significance (1 of 4 stars; one submission).

Conditions:
Nephrotic syndrome 14. Also called: Sphingosine Phosphate Lyase Insufficiency Syndrome; RENI SYNDROME; RENAL, ENDOCRINE, NEUROLOGIC, AND IMMUNE SYNDROME. Identifiers: Orphanet 506334, MedGen C4540559, MONDO:0033203, OMIM 617575.

Allele frequency attached by ClinVar (database versions not stated): TOPMed below 0.00001; gnomAD exomes 0.00001.
gnomAD v4.1: 3 of 1,611,926 alleles (0.00019%); highest among the groups gnomAD compares: Non-Finnish European, 0.00025%; no homozygotes.

Submission:

MVZ Medizinische Genetik Mainz
Classification: Uncertain significance for Nephrotic syndrome 14. Last evaluated: 2023-03-21. Review status: criteria provided, single submitter. Criteria: UK Practice Guidelines For Variant Classification V4 01 2020. Collection method: clinical testing. Allele origin: germline. Inheritance: Autosomal recessive inheritance. Affected: no. Observed: 1 variant allele.
Comment: ACMG Criteria: PM1_SUP,PP2,PP3